The following is an entry in ClinVar:

NM_001853.4(COL9A3):c.1038C>T (p.Gly346=)

Gene: COL9A3 (collagen type IX alpha 3 chain; plus strand). Cytogenetic location: 20q13.33.
Variant type: single nucleotide variant.
Coding change: c.1038C>T on transcript NM_001853.4 (MANE Select); coding-DNA position 1038, C replaced by T.
Protein change: p.Gly346=; no amino-acid change (glycine 346 retained).
Molecular consequence: synonymous variant.
Genome position (GRCh38, 1-based): chr20:62,829,484, C>T. VCF-style: chr20-62829484-C-T. GRCh37 (hg19) VCF-style: chr20-61460836-C-T.
Identifiers: ClinVar variation 1516529 (VCV001516529.6), dbSNP rs1388594658, ClinGen allele CA511166533.
Genomic context (GRCh38, chr20:62,829,484, plus strand): 5'-GCAGCCCTGACCGCAAGCTCTCTCCTGGCAGGGCCTCCCTGGACGAGCGGGGTCCAAAGG[C>T]GAGAAGGGAGAACGGGTATGTGGCTGCAGCCGCTTTCTCTCTGGGAGGGGAGGCGAGGGG-3'
Protein context (NP_001844.3, residues 336-356): PGLPGRAGSK[Gly346=]EKGERGRAGE

ClinVar aggregate classification (germline): Uncertain significance (1 of 4 stars; one submission).

Allele frequency attached by ClinVar (database versions not stated): gnomAD 0.00001.
gnomAD v4.1: 8 of 1,612,532 alleles (0.0005%); highest among the groups gnomAD compares: African/African-American, 0.0013%; no homozygotes.

Submission:

Labcorp Genetics (formerly Invitae), Labcorp
Classification: Uncertain significance. Last evaluated: 2021-08-31. Review status: criteria provided, single submitter. Criteria: Invitae Variant Classification Sherloc (09022015). Collection method: clinical testing. Allele origin: germline.
Comment: This sequence change affects codon 346 of the COL9A3 mRNA. It is a 'silent' change, meaning that it does not change the encoded amino acid sequence of the COL9A3 protein. In summary, the available evidence is currently insufficient to determine the role of this variant in disease. Therefore, it has been classified as a Variant of Uncertain Significance. Algorithms developed to predict the effect of sequence changes on RNA splicing suggest that this variant may create or strengthen a splice site. This variant has not been reported in the literature in individuals affected with COL9A3-related conditions. This variant is not present in population databases (ExAC no frequency).